The following is an entry in ClinVar:

ClinVar aggregate classification (germline): Benign. Review status: criteria provided, multiple submitters, no conflicts (2 of 4 stars). 3 submissions from 3 submitters: Benign (2). 1 of the submissions does not count toward it. Last evaluated 2020-02-06.

Conditions:
SPTBN4-related disorder. Also called: SPTBN4-related condition.

Allele frequency attached by ClinVar (database versions not stated): 1000 Genomes Project 0.05551; 1000 Genomes Project 30x 0.05621; TOPMed 0.08493; ExAC 0.08645; gnomAD 0.09166 and 0.09372; gnomAD exomes 0.09987 and 0.10651.

Submissions (3):

GeneDx
Classification: Benign. Last evaluated: 2020-02-06. Review status: criteria provided, single submitter. Criteria: GeneDx Variant Classification Process June 2021. Collection method: clinical testing. Allele origin: germline. Affected: yes.

Breakthrough Genomics
Classification: Benign. Review status: criteria provided, single submitter. Criteria: ACMG Guidelines, 2015. Collection method: not provided. Allele origin: germline. Inheritance: Autosomal recessive inheritance. Affected: yes.

PreventionGenetics, part of Exact Sciences
Classification: Benign for SPTBN4-related condition. Last evaluated: 2019-11-04. Review status: no assertion criteria provided. Collection method: clinical testing. Allele origin: germline. Not counted in ClinVar's aggregate classification.
Comment: This variant is classified as benign based on ACMG/AMP sequence variant interpretation guidelines (Richards et al. 2015 PMID: 25741868, with internal and published modifications).

NM_020971.3(SPTBN4):c.6631C>T (p.Pro2211Ser)

Gene: SPTBN4 (spectrin beta, non-erythrocytic 4; plus strand). Cytogenetic location: 19q13.2.
Variant type: single nucleotide variant.
Coding change: c.6631C>T on transcript NM_020971.3 (MANE Select); coding-DNA position 6631, C replaced by T.
Protein change: p.Pro2211Ser; replaces proline 2211 with serine.
Molecular consequence: missense variant.
Genome position (GRCh38, 1-based): chr19:40,567,957, C>T. VCF-style: chr19-40567957-C-T. GRCh37 (hg19) VCF-style: chr19-41073863-C-T.
Other names: short protein forms P2211S.
Identifiers: ClinVar variation 1251365 (VCV001251365.5), dbSNP rs61733984, ClinGen allele CA9446800.